The following is an entry in ClinVar:

ClinVar aggregate classification (germline): Uncertain significance. Review status: criteria provided, multiple submitters, no conflicts (2 of 4 stars). 2 submissions from 2 submitters: Uncertain significance (2). Last evaluated 2025-01-28.

Conditions:
Arrhythmogenic right ventricular dysplasia 13. Also called: ARRHYTHMOGENIC RIGHT VENTRICULAR CARDIOMYOPATHY 13; Arrhythmogenic right ventricular dysplasia, familial, 13. Identifiers: MedGen C3810138, MONDO:0000908, OMIM 615616.

Allele frequency attached by ClinVar (database versions not stated): gnomAD 0.00001; ExAC 0.00002; TOPMed 0.00002.
gnomAD v4.1: 10 of 1,613,874 alleles (0.00062%); highest among the groups gnomAD compares: African/African-American, 0.0027%; no homozygotes.

Submissions (2):

Labcorp Genetics (formerly Invitae), Labcorp
Classification: Uncertain significance for Arrhythmogenic right ventricular dysplasia 13. Last evaluated: 2025-01-28. Review status: criteria provided, single submitter. Criteria: Invitae Variant Classification Sherloc (09022015). Collection method: clinical testing. Allele origin: germline.
Comment: This sequence change replaces arginine, which is basic and polar, with cysteine, which is neutral and slightly polar, at codon 51 of the CTNNA3 protein (p.Arg51Cys). This variant is present in population databases (rs749212121, gnomAD 0.005%). This variant has not been reported in the literature in individuals affected with CTNNA3-related conditions. ClinVar contains an entry for this variant (Variation ID: 948995). Invitae Evidence Modeling of protein sequence and biophysical properties (such as structural, functional, and spatial information, amino acid conservation, physicochemical variation, residue mobility, and thermodynamic stability) indicates that this missense variant is not expected to disrupt CTNNA3 protein function with a negative predictive value of 80%. In summary, the available evidence is currently insufficient to determine the role of this variant in disease. Therefore, it has been classified as a Variant of Uncertain Significance.

Ambry Genetics
Classification: Uncertain significance. Last evaluated: 2023-12-27. Review status: criteria provided, single submitter. Criteria: Ambry Variant Classification Scheme 2023. Collection method: clinical testing. Allele origin: germline.

NM_013266.4(CTNNA3):c.151C>T (p.Arg51Cys)

Gene: CTNNA3 (catenin alpha 3; minus strand). Cytogenetic location: 10q21.3.
Variant type: single nucleotide variant.
Coding change: c.151C>T on transcript NM_013266.4 (MANE Select); coding-DNA position 151, C replaced by T.
Protein change: p.Arg51Cys; replaces arginine 51 with cysteine.
Molecular consequence: missense variant.
Genome position (GRCh38, 1-based): chr10:67,606,998, G>A on the plus strand (C>T on the coding strand, the complement: CTNNA3 is on the minus strand). VCF-style: chr10-67606998-G-A. GRCh37 (hg19) VCF-style: chr10-69366756-G-A.
Other names: c.151C>T (NM_013266.2); c.151C>T, p.Arg51Cys (NM_001127384.3); c.187C>T, p.Arg63Cys (NM_001291133.2); short protein forms R51C, R63C.
Identifiers: ClinVar variation 948995 (VCV000948995.9), dbSNP rs749212121, ClinGen allele CA5520693.